The following is an entry in ClinVar:

ClinVar aggregate classification (germline): Uncertain significance (1 of 4 stars; one submission).

Submission:

Labcorp Genetics (formerly Invitae), Labcorp
Classification: Uncertain significance. Last evaluated: 2024-12-09. Review status: criteria provided, single submitter. Criteria: Invitae Variant Classification Sherloc (09022015). Collection method: clinical testing. Allele origin: germline.
Comment: This sequence change affects the initiator methionine of the VDR mRNA. The next in-frame methionine is located at codon 4. The frequency data for this variant in the population databases is considered unreliable, as metrics indicate poor data quality at this position in the gnomAD database. Disruption of the initiator codon has been observed in individual(s) with vitamin D dependent rickets (PMID: 35738466). ClinVar contains an entry for this variant (Variation ID: 1909890). Algorithms developed to predict the effect of variants on gene product structure and function are not available or were not evaluated for this variant. Experimental studies have shown that disruption of the initiator codon affects VDR function (PMID: 9169350). In summary, the available evidence is currently insufficient to determine the role of this variant in disease. Therefore, it has been classified as a Variant of Uncertain Significance.

Literature cited by the submitters: PubMed 35738466; PubMed 9169350.

NM_000376.3(VDR):c.2_3inv (p.Met1Thr)

Gene: VDR (vitamin D receptor; minus strand). Cytogenetic location: 12q13.11.
Variant type: Inversion.
Coding change: c.2_3inv on transcript NM_000376.3 (MANE Select).
Protein change: p.Met1Thr; changes the start codon (methionine 1).
Molecular consequence: missense variant, initiator codon variant.
Genome position: GRCh38 VCF-style: chr12-47879111-CA-TG. GRCh37 (hg19) VCF-style: chr12-48272894-CA-TG.
Other names: c.2_3inv, p.Met1Thr (NM_001017535.2, NM_001364085.2, NM_001374661.1 and 1 more transcripts); c.152_153inv, p.Met51Thr (NM_001017536.2); short protein forms M51T, M1T.
Identifiers: ClinVar variation 1909890 (VCV001909890.4), ClinGen allele CA2580085458.
Genomic context (GRCh38, chr12:47,879,111, plus strand): 5'-GGGCACGTTCCGGTCAAAGTCTCCAGGGTCAGGCAGGGAAGTGCTGGCCGCCATTGCCTC[CA>TG]TCCCTGTAAGAACAGCAAGCAGGCCACGGTCAGAGCCAGAGTCAGTGCCAGGGCCAGCTG-3'
Protein context (NP_000367.1, residues 1-11): [Met1Thr]EAMAASTSLP